The following is an entry in ClinVar:

ClinVar aggregate classification (germline): Pathogenic (1 of 4 stars; one submission).

Submission:

Labcorp Genetics (formerly Invitae), Labcorp
Classification: Pathogenic. Last evaluated: 2023-10-22. Review status: criteria provided, single submitter. Criteria: Invitae Variant Classification Sherloc (09022015). Collection method: clinical testing. Allele origin: germline.
Comment: This sequence change creates a premature translational stop signal (p.Tyr69*) in the ARL2BP gene. It is expected to result in an absent or disrupted protein product. Loss-of-function variants in ARL2BP are known to be pathogenic (PMID: 23849777, 27790702, 29718757, 30210231). This variant is not present in population databases (gnomAD no frequency). This variant has not been reported in the literature in individuals affected with ARL2BP-related conditions. For these reasons, this variant has been classified as Pathogenic.

Literature cited by the submitters: PubMed 23849777; PubMed 27790702; PubMed 29718757; PubMed 30210231.

NM_012106.4(ARL2BP):c.207C>A (p.Tyr69Ter)

Gene: ARL2BP (ARF like GTPase 2 binding protein; plus strand). Cytogenetic location: 16q13.
Variant type: single nucleotide variant.
Coding change: c.207C>A on transcript NM_012106.4 (MANE Select); coding-DNA position 207, C replaced by A.
Protein change: p.Tyr69Ter; replaces tyrosine 69 with a stop codon.
Molecular consequence: nonsense.
Genome position (GRCh38, 1-based): chr16:57,248,643, C>A. VCF-style: chr16-57248643-C-A. GRCh37 (hg19) VCF-style: chr16-57282555-C-A.
Other names: short protein forms Y69*.
Identifiers: ClinVar variation 2770655 (VCV002770655.3), dbSNP rs201489348, ClinGen allele CA396021959.